The following is an entry in ClinVar:

ClinVar aggregate classification (germline): Likely benign. Review status: criteria provided, multiple submitters, no conflicts (2 of 4 stars). 3 submissions from 3 submitters: Likely benign (2). 1 of the submissions does not count toward it. Last evaluated 2024-10-23.

Conditions:
CRB1-related disorder. Also called: CRB1-related condition; CRB1-related disorders.
Retinitis pigmentosa 12 (RP12). Also called: RP WITH OR WITHOUT PPRPE; RP WITH OR WITHOUT PRESERVED PARAARTERIOLE RETINAL PIGMENT EPITHELIUM; RETINITIS PIGMENTOSA WITH OR WITHOUT PARAARTERIOLAR PRESERVATION OF RETINAL PIGMENT EPITHELIUM. Identifiers: Orphanet 791, MedGen C1838647, MONDO:0010818, OMIM 600105.
Leber congenital amaurosis 8 (LCA8). Identifiers: Orphanet 65, MedGen C3151202, MONDO:0013453, OMIM 613835.

Allele frequency attached by ClinVar (database versions not stated): TOPMed 0.00002; ESP Exome Variant Server 0.00008.
gnomAD v4.1: 108 of 1,613,944 alleles (0.0067%); highest among the groups gnomAD compares: Non-Finnish European, 0.0083%; no homozygotes.

Submissions (3):

Blueprint Genetics
Classification: Likely benign. Last evaluated: 2024-10-23. Review status: criteria provided, single submitter. Criteria: ACMG Guidelines, 2015. Collection method: clinical testing. Allele origin: germline.

Labcorp Genetics (formerly Invitae), Labcorp
Classification: Likely benign for Leber congenital amaurosis 8; Retinitis pigmentosa 12. Last evaluated: 2024-03-06. Review status: criteria provided, single submitter. Criteria: Invitae Variant Classification Sherloc (09022015). Collection method: clinical testing. Allele origin: germline.

PreventionGenetics, part of Exact Sciences
Classification: Likely benign for CRB1-related condition. Last evaluated: 2019-12-30. Review status: no assertion criteria provided. Collection method: clinical testing. Allele origin: germline. Not counted in ClinVar's aggregate classification.
Comment: This variant is classified as likely benign based on ACMG/AMP sequence variant interpretation guidelines (Richards et al. 2015 PMID: 25741868, with internal and published modifications).

NM_201253.3(CRB1):c.483C>T (p.Ala161=)

Gene: CRB1 (crumbs cell polarity complex component 1; plus strand). Cytogenetic location: 1q31.3.
Variant type: single nucleotide variant.
Coding change: c.483C>T on transcript NM_201253.3 (MANE Select); coding-DNA position 483, C replaced by T.
Protein change: p.Ala161=; no amino-acid change (alanine 161 retained).
Molecular consequence: synonymous variant. On other transcripts: non-coding transcript variant (2).
Genome position (GRCh38, 1-based): chr1:197,328,834, C>T. VCF-style: chr1-197328834-C-T. GRCh37 (hg19) VCF-style: chr1-197297964-C-T.
Other names: c.483C>T, p.Ala161= (NM_001193640.2, NM_001257966.2); c.276C>T, p.Ala92= (NM_001257965.2); c.483C>T (NM_201253.2).
Identifiers: ClinVar variation 1126929 (VCV001126929.12), dbSNP rs370907719, ClinGen allele CA1311637.